The following is an entry in ClinVar:

ClinVar aggregate classification (germline): Uncertain significance (1 of 4 stars; one submission).

Submission:

Greenwood Genetic Center Diagnostic Laboratories, Greenwood Genetic Center
Classification: Uncertain significance. Last evaluated: 2023-01-26. Review status: criteria provided, single submitter. Criteria: ACMG Guidelines, 2015. Collection method: clinical testing. Allele origin: germline. Affected: yes.
Comment: PM2 (do not use PS2, only missense changes have been reported)

NM_001260.3(CDK8):c.129-11T>A

Gene: CDK8 (cyclin dependent kinase 8; plus strand). Cytogenetic location: 13q12.13.
Variant type: single nucleotide variant.
Coding change: c.129-11T>A on transcript NM_001260.3 (MANE Select); 11 bases into the intron before coding-DNA position 129, T replaced by A.
Molecular consequence: intron variant.
Genome position (GRCh38, 1-based): chr13:26,337,556, T>A. VCF-style: chr13-26337556-T-A. GRCh37 (hg19) VCF-style: chr13-26911693-T-A.
Other names: c.129-11T>A (NM_001318368.2); c.-333-11T>A (NM_001346501.2).
Identifiers: ClinVar variation 2505242 (VCV002505242.1), dbSNP rs2542394981, ClinGen allele CA2580614636.